The following is an entry in ClinVar:

ClinVar aggregate classification (germline): Uncertain significance. Review status: criteria provided, multiple submitters, no conflicts (2 of 4 stars). 4 submissions from 4 submitters: Uncertain significance (4). Last evaluated 2025-12-24.

Conditions:
Hereditary cancer-predisposing syndrome. Also called: Neoplastic Syndromes, Hereditary; Hereditary Cancer Syndrome; Tumor predisposition; Hereditary neoplastic syndrome. Identifiers: Orphanet 140162, MedGen C0027672, MeSH D009386, MONDO:0015356.
Gastrointestinal stromal tumor. Also called: Gastrointestinal stromal tumor, somatic; Gastrointestinal stroma tumor. Identifiers: Orphanet 44890, MedGen C0238198, MeSH D046152, MONDO:0011719, OMIM 606764, HP:0100723.
KIT-related disorder. Also called: KIT-related condition.

Allele frequency attached by ClinVar (database versions not stated): TOPMed below 0.00001.
gnomAD v4.1: 7 of 1,613,980 alleles (0.00043%); highest among the groups gnomAD compares: Non-Finnish European, 0.00051%; no homozygotes.

Submissions (4):

Labcorp Genetics (formerly Invitae), Labcorp
Classification: Uncertain significance for Gastrointestinal stromal tumor. Last evaluated: 2025-12-24. Review status: criteria provided, single submitter. Criteria: Invitae Variant Classification Sherloc (09022015). Collection method: clinical testing. Allele origin: germline.
Comment: This sequence change replaces glutamic acid, which is acidic and polar, with lysine, which is basic and polar, at codon 225 of the KIT protein (p.Glu225Lys). This variant is not present in population databases (gnomAD no frequency). This variant has not been reported in the literature in individuals affected with KIT-related conditions. ClinVar contains an entry for this variant (Variation ID: 941361). An algorithm developed to predict the effect of missense changes on protein structure and function (PolyPhen-2) suggests that this variant is likely to be tolerated. In summary, the available evidence is currently insufficient to determine the role of this variant in disease. Therefore, it has been classified as a Variant of Uncertain Significance.

PreventionGenetics, part of Exact Sciences
Classification: Uncertain significance for KIT-related condition. Last evaluated: 2025-10-03. Review status: criteria provided, single submitter. Criteria: ACMG Guidelines, 2015. Collection method: clinical testing. Allele origin: germline.
Comment: The KIT c.673G>A variant is predicted to result in the amino acid substitution p.Glu225Lys. To our knowledge, this variant has not been reported in the literature or in a large population database (gnomAD), indicating this variant is rare. At this time, the clinical significance of this variant is uncertain due to the absence of conclusive functional and genetic evidence.

Ambry Genetics
Classification: Uncertain significance for Hereditary cancer-predisposing syndrome. Last evaluated: 2025-05-16. Review status: criteria provided, single submitter. Criteria: Ambry Variant Classification Scheme 2023. Collection method: clinical testing. Allele origin: germline.
Comment: The p.E225K variant (also known as c.673G>A), located in coding exon 4 of the KIT gene, results from a G to A substitution at nucleotide position 673. The glutamic acid at codon 225 is replaced by lysine, an amino acid with similar properties. This amino acid position is highly conserved in available vertebrate species. In addition, this alteration is predicted to be tolerated by in silico analysis. Based on the available evidence, the clinical significance of this variant remains unclear.

Baylor Genetics
Classification: Uncertain significance for Gastrointestinal stromal tumor. Last evaluated: 2024-02-05. Review status: criteria provided, single submitter. Criteria: ACMG Guidelines, 2015. Collection method: clinical testing. Allele origin: unknown.

NM_000222.3(KIT):c.673G>A (p.Glu225Lys)

Gene: KIT (KIT proto-oncogene, receptor tyrosine kinase; plus strand). Cytogenetic location: 4q12.
Variant type: single nucleotide variant.
Coding change: c.673G>A on transcript NM_000222.3 (MANE Select); coding-DNA position 673, G replaced by A.
Protein change: p.Glu225Lys; replaces glutamic acid 225 with lysine.
Molecular consequence: missense variant.
Genome position (GRCh38, 1-based): chr4:54,699,683, G>A. VCF-style: chr4-54699683-G-A. GRCh37 (hg19) VCF-style: chr4-55565849-G-A.
Other names: c.673G>A, p.Glu225Lys (NM_001093772.2, NM_001385284.1, NM_001385285.1 and 4 more transcripts); short protein forms E225K.
Identifiers: ClinVar variation 941361 (VCV000941361.11), dbSNP rs1330251750, ClinGen allele CA356898279.